The following is an entry in ClinVar:

ClinVar aggregate classification (germline): Uncertain significance. Review status: criteria provided, multiple submitters, no conflicts (2 of 4 stars). 3 submissions from 3 submitters: Uncertain significance (3). Last evaluated 2022-04-08.

Conditions:
Cardiomyopathy, dilated, 2E. Identifiers: MedGen C5561970, MONDO:0030366, OMIM 619492.
Hypertrophic cardiomyopathy 17. Identifiers: MedGen C3151264, MONDO:0013474, OMIM 613873.
Hypertrophic cardiomyopathy. Also called: HYPERTROPHIC MYOCARDIOPATHY. Identifiers: Orphanet 217569, MedGen C0007194, MeSH D002312, MONDO:0005045, HP:0001639.
Cardiovascular phenotype. Identifiers: MedGen CN230736.

Allele frequency attached by ClinVar (database versions not stated): TOPMed 0.00001; gnomAD 0.00002.

Submissions (3):

Ambry Genetics
Classification: Uncertain significance for Cardiovascular phenotype. Last evaluated: 2022-04-08. Review status: criteria provided, single submitter. Criteria: Ambry Variant Classification Scheme 2023. Collection method: clinical testing. Allele origin: germline.
Comment: The p.A181T variant (also known as c.541G>A), located in coding exon 2 of the JPH2 gene, results from a G to A substitution at nucleotide position 541. The alanine at codon 181 is replaced by threonine, an amino acid with similar properties. This variant was reported in a proband with sudden cardiac death due to myocarditis; however, additional cardiac variants were also detected (Campuzano O et al. J Am Coll Cardiol, 2015 Dec;66:2913-2914). This amino acid position is poorly conserved in available vertebrate species. In addition, this alteration is predicted to be tolerated by in silico analysis. Since supporting evidence is limited at this time, the clinical significance of this alteration remains unclear.

Labcorp Genetics (formerly Invitae), Labcorp
Classification: Uncertain significance for Hypertrophic cardiomyopathy. Last evaluated: 2021-10-15. Review status: criteria provided, single submitter. Criteria: Invitae Variant Classification Sherloc (09022015). Collection method: clinical testing. Allele origin: germline.
Comment: In summary, the available evidence is currently insufficient to determine the role of this variant in disease. Therefore, it has been classified as a Variant of Uncertain Significance. Algorithms developed to predict the effect of missense changes on protein structure and function output the following: SIFT: "Tolerated"; PolyPhen-2: "Benign"; Align-GVGD: "Class C0". The threonine amino acid residue is found in multiple mammalian species, which suggests that this missense change does not adversely affect protein function. This variant has not been reported in the literature in individuals affected with JPH2-related conditions. The frequency data for this variant in the population databases is considered unreliable, as metrics indicate insufficient coverage at this position in the ExAC database. This sequence change replaces alanine with threonine at codon 181 of the JPH2 protein (p.Ala181Thr). The alanine residue is weakly conserved and there is a small physicochemical difference between alanine and threonine.

Fulgent Genetics
Classification: Uncertain significance for Hypertrophic cardiomyopathy 17; Cardiomyopathy, dilated, 2E. Last evaluated: 2021-09-06. Review status: criteria provided, single submitter. Criteria: ACMG Guidelines, 2015. Collection method: clinical testing. Allele origin: unknown.

Literature cited by the submitters: PubMed 26718681 (cited by Ambry Genetics).

NM_020433.5(JPH2):c.541G>A (p.Ala181Thr)

Gene: JPH2 (junctophilin 2; minus strand). Cytogenetic location: 20q13.12.
Variant type: single nucleotide variant.
Coding change: c.541G>A on transcript NM_020433.5 (MANE Select); coding-DNA position 541, G replaced by A.
Protein change: p.Ala181Thr; replaces alanine 181 with threonine.
Molecular consequence: missense variant.
Genome position (GRCh38, 1-based): chr20:44,160,246, C>T on the plus strand (G>A on the coding strand, the complement: JPH2 is on the minus strand). VCF-style: chr20-44160246-C-T. GRCh37 (hg19) VCF-style: chr20-42788886-C-T.
Other names: short protein forms A181T.
Identifiers: ClinVar variation 1448968 (VCV001448968.9), dbSNP rs1304705938, ClinGen allele CA409094175.